The following is an entry in ClinVar:

NC_000016.9:g.(?_8906828)_(8906983_?)del

Gene: PMM2 (phosphomannomutase 2; plus strand). Cytogenetic location: 16p13.2.
Variant type: Deletion.
Identifiers: ClinVar variation 2422839 (VCV002422839.4).

ClinVar aggregate classification (germline): Pathogenic (1 of 4 stars; one submission).

Conditions:
PMM2-congenital disorder of glycosylation. Also called: PMM2-CDG; CDG Ia; JAEKEN SYNDROME; PHOSPHOMANNOMUTASE 2 DEFICIENCY; CARBOHYDRATE-DEFICIENT GLYCOPROTEIN SYNDROME, TYPE Ia; Congenital disorder of glycosylation, type Ia. Identifiers: Orphanet 79318, MedGen C0349653, MONDO:0008907, OMIM 212065.

Submission:

Labcorp Genetics (formerly Invitae), Labcorp
Classification: Pathogenic for PMM2-congenital disorder of glycosylation. Last evaluated: 2022-09-26. Review status: criteria provided, single submitter. Criteria: Invitae Variant Classification Sherloc (09022015). Collection method: clinical testing. Allele origin: germline.
Comment: For these reasons, this variant has been classified as Pathogenic. This variant disrupts a region of the PMM2 protein in which other variant(s) (p.Phe183Ser) have been determined to be pathogenic (PMID: 10801058, 11409861, 21541725; Invitae). This suggests that this is a clinically significant region of the protein, and that variants that disrupt it are likely to be disease-causing. This variant has not been reported in the literature in individuals affected with PMM2-related conditions. This variant is a gross deletion of the genomic region encompassing exon(s) 7 of the PMM2 gene. While this deletion is not anticipated to lead to nonsense mediated decay, it is expected to disrupt the C-terminus of the protein.

Literature cited by the submitters: PubMed 10801058; PubMed 11409861; PubMed 21541725.